The following is an entry in ClinVar:

NM_201548.5(CERKL):c.1025del (p.Pro342fs)

Gene: CERKL (CERK like autophagy regulator; minus strand). Cytogenetic location: 2q31.3.
Variant type: Deletion.
Coding change: c.1025del on transcript NM_201548.5 (MANE Select); coding-DNA position 1025, one base deleted (C; older notation c.1025delC).
Protein change: p.Pro342fs; shifts the reading frame from proline 342.
Molecular consequence: frameshift variant. On other transcripts: non-coding transcript variant (2).
Genome position (GRCh38, 1-based): chr2:181,548,728, G deleted on the plus strand (C on the coding strand, the reverse complement: CERKL is on the minus strand); the first of 4 consecutive G bases (chr2:181,548,728-181,548,731); deleting any one gives the same sequence. VCF-style (leftmost placement, unchanged base first): chr2-181548727-AG-A. GRCh37 (hg19) VCF-style: chr2-182413454-AG-A.
Other names: c.1103del, p.Pro368fs (NM_001030311.3); c.686del, p.Pro229fs (NM_001030312.3); c.818del, p.Pro273fs (NM_001030313.3); c.*304delC (NM_001030314.1, NM_001030315.1); c.971del, p.Pro324fs (NM_001160277.2); short protein forms P273fs, P368fs, P342fs, P324fs, P229fs.
Identifiers: ClinVar variation 2986340 (VCV002986340.4), dbSNP rs2468295626, ClinGen allele CA2740096346.
Genomic context (GRCh38, chr2:181,548,727, plus strand): 5'-GAAAAAGACTTACTTAAGTTTTGCCAGTGCCTTAACAACAGCAAAATCTCTCCGTTGGTT[AG>A]GGGACATCCATCGATATTTTTCTGCCAGAGCCAAAGTTCTTCCACCAAAGCCAAACATGG-3'

ClinVar aggregate classification (germline): Pathogenic. Review status: criteria provided, multiple submitters, no conflicts (2 of 4 stars). 2 submissions from 2 submitters: Pathogenic (2). Last evaluated 2026-01-29.

Conditions:
Retinitis pigmentosa 26 (RP26). Identifiers: Orphanet 791, MedGen C1842127, MONDO:0012024, OMIM 608380.

Submissions (2):

Myriad Genetics, Inc.
Classification: Pathogenic for Retinitis pigmentosa 26. Last evaluated: 2026-01-29. Review status: criteria provided, single submitter. Criteria: Myriad Autosomal Dominant, Autosomal Recessive and X-Linked Classification Criteria (2023). Collection method: clinical testing. Allele origin: unknown.
Comment: NM_001030311.2(CERKL):c.1103delC(P368Lfs*53) is a frameshift variant classified as pathogenic in the context of retinitis pigmentosa, CERKL-related. P368Lfs*53 has not been observed in cases with relevant disease. Relevant functional assessments of this variant are not available in the literature. P368Lfs*53 has not been observed in referenced population frequency databases. In summary, NM_001030311.2(CERKL):c.1103delC(P368Lfs*53) is a frameshift variant in a gene where loss of function is a known mechanism of disease and is predicted to disrupt protein function. Please note: this variant was assessed in the context of healthy population screening.

Labcorp Genetics (formerly Invitae), Labcorp
Classification: Pathogenic. Last evaluated: 2023-11-07. Review status: criteria provided, single submitter. Criteria: Invitae Variant Classification Sherloc (09022015). Collection method: clinical testing. Allele origin: germline.
Comment: This sequence change creates a premature translational stop signal (p.Pro368Leufs*53) in the CERKL gene. It is expected to result in an absent or disrupted protein product. Loss-of-function variants in CERKL are known to be pathogenic (PMID: 14681825, 23591405, 24043777). This variant is not present in population databases (gnomAD no frequency). This variant has not been reported in the literature in individuals affected with CERKL-related conditions. For these reasons, this variant has been classified as Pathogenic.

Literature cited by the submitters: PubMed 14681825 (cited by Labcorp Genetics (formerly Invitae), Labcorp); PubMed 23591405 (cited by Labcorp Genetics (formerly Invitae), Labcorp); PubMed 24043777 (cited by Labcorp Genetics (formerly Invitae), Labcorp).